The following is an entry in ClinVar:

NM_024675.4(PALB2):c.709del (p.Phe236_Leu237insTer)

Gene: PALB2 (partner and localizer of BRCA2; minus strand). Cytogenetic location: 16p12.2.
Variant type: Deletion.
Coding change: c.709del on transcript NM_024675.4 (MANE Select); coding-DNA position 709, one base deleted (C; older notation c.709delC).
Protein change: p.Phe236_Leu237insTer.
Molecular consequence: nonsense. On other transcripts: frameshift variant (1), 5 prime UTR variant (8), intron variant (3).
Genome position (GRCh38, 1-based): chr16:23,635,837, G deleted on the plus strand (C on the coding strand, the reverse complement: PALB2 is on the minus strand); the first of 2 consecutive G bases (chr16:23,635,837-23,635,838); deleting either gives the same sequence. VCF-style (leftmost placement, unchanged base first): chr16-23635836-AG-A. GRCh37 (hg19) VCF-style: chr16-23647157-AG-A.
Other names: c.709delC (NM_024675.3); c.649del, p.Phe216_Leu217insTer (NM_001407296.1); c.709del, p.Phe236_Leu237insTer (NM_001407297.1, NM_001407298.1, NM_001407299.1 and 3 more transcripts); c.-177del (NM_001407304.1, NM_001407305.1, NM_001407306.1 and 5 more transcripts); c.48+5273del (NM_001407314.1); c.-105+5273del (NM_001407313.1, NM_001407312.1).
Identifiers: ClinVar variation 3413482 (VCV003413482.1).

ClinVar aggregate classification (germline): Pathogenic (1 of 4 stars; one submission).

Conditions:
Hereditary cancer-predisposing syndrome. Also called: Neoplastic Syndromes, Hereditary; Tumor predisposition; Hereditary Cancer Syndrome; Hereditary neoplastic syndrome. Identifiers: Orphanet 140162, MedGen C0027672, MeSH D009386, MONDO:0015356.

Submission:

Ambry Genetics
Classification: Pathogenic for Hereditary cancer-predisposing syndrome. Last evaluated: 2024-10-30. Review status: criteria provided, single submitter. Criteria: Ambry Variant Classification Scheme 2023. Collection method: clinical testing. Allele origin: germline.
Comment: The c.709delC pathogenic mutation, located in coding exon 4 of the PALB2 gene, results from a deletion of one nucleotide at nucleotide position 709, causing a translational frameshift with a predicted alternate stop codon (p.L237*). This variant is considered to be rare based on population cohorts in the Genome Aggregation Database (gnomAD). This alteration is expected to result in loss of function by premature protein truncation or nonsense-mediated mRNA decay. As such, this alteration is interpreted as a disease-causing mutation.